The following is an entry in ClinVar:

ClinVar aggregate classification (germline): Uncertain significance. Review status: criteria provided, multiple submitters, no conflicts (2 of 4 stars). 2 submissions from 2 submitters: Uncertain significance (2). Last evaluated 2024-07-25.

gnomAD v4.1: 2 of 1,614,024 alleles (0.00012%); highest among the groups gnomAD compares: Non-Finnish European, 0.000085%; no homozygotes.

Submissions (2):

Labcorp Genetics (formerly Invitae), Labcorp
Classification: Uncertain significance. Last evaluated: 2024-07-25. Review status: criteria provided, single submitter. Criteria: Invitae Variant Classification Sherloc (09022015). Collection method: clinical testing. Allele origin: germline.
Comment: This sequence change replaces glycine, which is neutral and non-polar, with aspartic acid, which is acidic and polar, at codon 1722 of the RP1 protein (p.Gly1722Asp). This variant is not present in population databases (gnomAD no frequency). This variant has not been reported in the literature in individuals affected with RP1-related conditions. An algorithm developed to predict the effect of missense changes on protein structure and function outputs the following: PolyPhen-2: "Benign". The aspartic acid amino acid residue is found in multiple mammalian species, which suggests that this missense change does not adversely affect protein function. In summary, the available evidence is currently insufficient to determine the role of this variant in disease. Therefore, it has been classified as a Variant of Uncertain Significance.

Blueprint Genetics
Classification: Uncertain significance. Last evaluated: 2023-10-13. Review status: criteria provided, single submitter. Criteria: ACMG Guidelines, 2015. Collection method: clinical testing. Allele origin: germline.

NM_006269.2(RP1):c.5165G>A (p.Gly1722Asp)

Genes: RP1 (RP1 axonemal microtubule associated; plus strand), LOC126860392 (CDK7 strongly-dependent group 2 enhancer GRCh37_chr8:55541319-55542518; plus strand). Cytogenetic location: 8q12.1.
Variant type: single nucleotide variant.
Coding change: c.5165G>A on transcript NM_006269.2 (MANE Select); coding-DNA position 5165, G replaced by A.
Protein change: p.Gly1722Asp; replaces glycine 1722 with aspartic acid.
Molecular consequence: missense variant. On other transcripts: intron variant (1).
Genome position (GRCh38, 1-based): chr8:54,629,047, G>A. VCF-style: chr8-54629047-G-A. GRCh37 (hg19) VCF-style: chr8-55541607-G-A.
Other names: c.787+6759G>A (NM_001375654.1); short protein forms G1722D.
Identifiers: ClinVar variation 3619196 (VCV003619196.3).